The following is an entry in ClinVar:

ClinVar aggregate classification (germline): Uncertain significance (1 of 4 stars; one submission).

Conditions:
Familial thoracic aortic aneurysm and aortic dissection (TAAD). Also called: Thoracic aortic aneurysms and dissections. Identifiers: Orphanet 91387, MedGen C4707243, MONDO:0019625.

Submission:

Ambry Genetics
Classification: Uncertain significance for Familial thoracic aortic aneurysm and aortic dissection. Last evaluated: 2022-12-30. Review status: criteria provided, single submitter. Criteria: Ambry Variant Classification Scheme 2023. Collection method: clinical testing. Allele origin: germline.
Comment: The p.C1558S variant (also known as c.4672T>A), located in coding exon 36 of the FBN2 gene, results from a T to A substitution at nucleotide position 4672. The cysteine at codon 1558 is replaced by serine, an amino acid with dissimilar properties. In one study, 13 of 14 reported FBN2 mutations were found in the middle region of the gene (exons 24-36), and 7 of these mutations were noted to alter or produce a cysteine residue (Callewaert BL et al. Hum Mutat. 2009;30(3):334-341). This amino acid position is highly conserved in available vertebrate species. In addition, this alteration is predicted to be deleterious by in silico analysis. Since supporting evidence is limited at this time, the clinical significance of this alteration remains unclear.

NM_001999.4(FBN2):c.4672T>A (p.Cys1558Ser)

Gene: FBN2 (fibrillin 2; minus strand). Cytogenetic location: 5q23.3.
Variant type: single nucleotide variant.
Coding change: c.4672T>A on transcript NM_001999.4 (MANE Select); coding-DNA position 4672, T replaced by A.
Protein change: p.Cys1558Ser; replaces cysteine 1558 with serine.
Molecular consequence: missense variant.
Genome position (GRCh38, 1-based): chr5:128,318,194, A>T on the plus strand (T>A on the coding strand, the complement: FBN2 is on the minus strand). VCF-style: chr5-128318194-A-T. GRCh37 (hg19) VCF-style: chr5-127653886-A-T.
Other names: short protein forms C1558S.
Identifiers: ClinVar variation 2448299 (VCV002448299.2), dbSNP rs2479757359, ClinGen allele CA360749530.
Genomic context (GRCh38, chr5:128,318,194, plus strand): 5'-TATAGCTTTACTTACCAACACAACCCACACCAGTTGGGTTCAACTGAAAATCGGGTGGGC[A>T]GTTACACTCATAGCGACCAGGCGTGTTGACACATAGGCCATTGACACAGTTTATAGGATC-3'
Protein context (NP_001990.2, residues 1548-1568): VNTPGRYECN[Cys1558Ser]PPDFQLNPTG